The following is an entry in ClinVar:

NM_000642.3(AGL):c.2283G>T (p.Lys761Asn)

Gene: AGL (amylo-alpha-1,6-glucosidase and 4-alpha-glucanotransferase; plus strand). Cytogenetic location: 1p21.2.
Variant type: single nucleotide variant.
Coding change: c.2283G>T on transcript NM_000642.3 (MANE Select); coding-DNA position 2283, G replaced by T.
Protein change: p.Lys761Asn; replaces lysine 761 with asparagine.
Molecular consequence: missense variant.
Genome position (GRCh38, 1-based): chr1:99,881,666, G>T. VCF-style: chr1-99881666-G-T. GRCh37 (hg19) VCF-style: chr1-100347222-G-T.
Other names: c.2283G>T, p.Lys761Asn (NM_000028.3, NM_000643.3, NM_000644.3 and 2 more transcripts); c.2235G>T, p.Lys745Asn (NM_000646.3); c.2082G>T, p.Lys694Asn (NM_001425327.1); c.2079G>T, p.Lys693Asn (NM_001425328.1, NM_001425329.1); c.1905G>T, p.Lys635Asn (NM_001425332.1); short protein forms K761N, K745N, K635N, K693N, K694N.
Identifiers: ClinVar variation 2060523 (VCV002060523.3), dbSNP rs2524655080, ClinGen allele CA341320014.

ClinVar aggregate classification (germline): Uncertain significance. Review status: criteria provided, multiple submitters, no conflicts (2 of 4 stars). 3 submissions from 3 submitters: Uncertain significance (3). Last evaluated 2023-04-11.

Conditions:
Inborn genetic diseases. Identifiers: MedGen C0950123, MeSH D030342.
Glycogen storage disease type III (GSD3). Also called: Cori disease; FORBES DISEASE. Identifiers: Orphanet 366, MedGen C0017922, MONDO:0009291, OMIM 232400.

Submissions (3):

Genome-Nilou Lab
Classification: Uncertain significance for Glycogen storage disease type III. Last evaluated: 2023-04-11. Review status: criteria provided, single submitter. Criteria: ACMG Guidelines, 2015. Collection method: clinical testing. Allele origin: germline. Affected: no.

Labcorp Genetics (formerly Invitae), Labcorp
Classification: Uncertain significance for Glycogen storage disease type III. Last evaluated: 2022-10-05. Review status: criteria provided, single submitter. Criteria: Invitae Variant Classification Sherloc (09022015). Collection method: clinical testing. Allele origin: germline.
Comment: This sequence change replaces lysine, which is basic and polar, with asparagine, which is neutral and polar, at codon 761 of the AGL protein (p.Lys761Asn). This variant is not present in population databases (gnomAD no frequency). This variant has not been reported in the literature in individuals affected with AGL-related conditions. Advanced modeling of protein sequence and biophysical properties (such as structural, functional, and spatial information, amino acid conservation, physicochemical variation, residue mobility, and thermodynamic stability) performed at Invitae indicates that this missense variant is not expected to disrupt AGL protein function. In summary, the available evidence is currently insufficient to determine the role of this variant in disease. Therefore, it has been classified as a Variant of Uncertain Significance.

Ambry Genetics
Classification: Uncertain significance for Inborn genetic diseases. Last evaluated: 2022-03-28. Review status: criteria provided, single submitter. Criteria: Ambry Variant Classification Scheme 2023. Collection method: clinical testing. Allele origin: germline.